The following is an entry in ClinVar:

ClinVar aggregate classification (germline): Conflicting classifications of pathogenicity. Review status: criteria provided, conflicting classifications (1 of 4 stars). 7 submissions from 7 submitters: Uncertain significance (5); Likely benign (1). 1 of the submissions does not count toward it. Last evaluated 2025-02-02.

Conditions:
Fanconi anemia (FA). Also called: Fanconi's anemia. Identifiers: Orphanet 84, MedGen C0015625, MeSH D005199, MONDO:0019391.
Fanconi anemia complementation group A (FANCA). Also called: Fanconi anemia, group A; FANCA-Related Fanconi Anemia. Identifiers: Orphanet 84, MedGen C3469521, MONDO:0009215, OMIM 227650.

Allele frequency attached by ClinVar (database versions not stated): gnomAD 0.00002; gnomAD exomes 0.00003; ExAC 0.00004; TOPMed 0.00004.

Submissions (7):

Labcorp Genetics (formerly Invitae), Labcorp
Classification: Uncertain significance for Fanconi anemia. Last evaluated: 2025-02-02. Review status: criteria provided, single submitter. Criteria: Invitae Variant Classification Sherloc (09022015). Collection method: clinical testing. Allele origin: germline.
Comment: This sequence change replaces histidine, which is basic and polar, with glutamine, which is neutral and polar, at codon 1000 of the FANCA protein (p.His1000Gln). This variant is present in population databases (rs750421982, gnomAD 0.01%). This missense change has been observed in individual(s) with head and neck carcinoma (PMID: 28678401). ClinVar contains an entry for this variant (Variation ID: 456107). Invitae Evidence Modeling of protein sequence and biophysical properties (such as structural, functional, and spatial information, amino acid conservation, physicochemical variation, residue mobility, and thermodynamic stability) indicates that this missense variant is not expected to disrupt FANCA protein function with a negative predictive value of 95%. In summary, the available evidence is currently insufficient to determine the role of this variant in disease. Therefore, it has been classified as a Variant of Uncertain Significance.

Blueprint Genetics
Classification: Likely benign. Last evaluated: 2024-10-23. Review status: criteria provided, single submitter. Criteria: ACMG Guidelines, 2015. Collection method: clinical testing. Allele origin: germline.

Quest Diagnostics Nichols Institute San Juan Capistrano
Classification: Uncertain significance. Last evaluated: 2024-06-21. Review status: criteria provided, single submitter. Criteria: Quest Diagnostics criteria. Collection method: clinical testing. Allele origin: unknown.
Comment: The FANCA c.3000C>G (p.His1000Gln) variant has been reported in the published literature in an individual with head and neck cancer (PMID: 28678401 (2017)). The frequency of this variant in the general population, 0.000054 (7/129176 chromosomes (Genome Aggregation Database)), is uninformative in the assessment of its pathogenicity. Analysis of this variant using bioinformatics tools for the prediction of the effect of amino acid changes on protein structure and function yielded predictions that this variant is benign. Based on the available information, we are unable to determine the clinical significance of this variant.

Baylor Genetics
Classification: Uncertain significance for Fanconi anemia complementation group A. Last evaluated: 2019-11-20. Review status: criteria provided, single submitter. Criteria: ACMG Guidelines, 2015. Collection method: clinical testing. Allele origin: unknown. Affected: yes.
Comment: This variant was determined to be of uncertain significance according to ACMG Guidelines, 2015 [PMID:25741868].

Genetic Services Laboratory, University of Chicago
Classification: Uncertain significance. Last evaluated: 2018-11-01. Review status: criteria provided, single submitter. Criteria: ACMG Guidelines, 2015. Collection method: clinical testing. Allele origin: germline. Affected: no.

Breakthrough Genomics
Classification: Uncertain significance. Review status: criteria provided, single submitter. Criteria: ACMG Guidelines, 2015. Collection method: not provided. Allele origin: germline. Inheritance: Autosomal recessive inheritance. Affected: yes.

Natera, Inc.
Classification: Uncertain significance for Fanconi anemia. Last evaluated: 2020-02-12. Review status: no assertion criteria provided. Collection method: clinical testing. Allele origin: germline. Not counted in ClinVar's aggregate classification.

Literature cited by the submitters: PubMed 28678401 (cited by Labcorp Genetics (formerly Invitae), Labcorp and Quest Diagnostics Nichols Institute San Juan Capistrano).

NM_000135.4(FANCA):c.3000C>G (p.His1000Gln)

Gene: FANCA (FA complementation group A; minus strand). Cytogenetic location: 16q24.3.
Variant type: single nucleotide variant.
Coding change: c.3000C>G on transcript NM_000135.4 (MANE Select); coding-DNA position 3000, C replaced by G.
Protein change: p.His1000Gln; replaces histidine 1000 with glutamine.
Molecular consequence: missense variant.
Genome position (GRCh38, 1-based): chr16:89,752,204, G>C on the plus strand (C>G on the coding strand, the complement: FANCA is on the minus strand). VCF-style: chr16-89752204-G-C. GRCh37 (hg19) VCF-style: chr16-89818612-G-C.
Other names: c.3000C>G, p.His1000Gln (NM_001286167.3); c.3000C>G (NM_000135.3, LRG_495t1); short protein forms H1000Q.
Identifiers: ClinVar variation 456107 (VCV000456107.14), dbSNP rs750421982, ClinGen allele CA8251382.